The following is an entry in ClinVar:

ClinVar aggregate classification (germline): Pathogenic/Likely pathogenic. Review status: criteria provided, multiple submitters, no conflicts (2 of 4 stars). 7 submissions from 7 submitters: Pathogenic (4); Likely pathogenic (3). Last evaluated 2025-12-22.

Conditions:
PKHD1-related disorder. Also called: PKHD1-related condition.
Autosomal recessive polycystic kidney disease (ARPKD). Also called: AR polycystic kidney disease. Identifiers: Orphanet 731, Orphanet 8378, MedGen C0085548, MeSH D017044, MONDO:0009889.
Polycystic kidney disease 4 (PKD4). Also called: POLYCYSTIC KIDNEY DISEASE 4 WITH OR WITHOUT POLYCYSTIC LIVER DISEASE; Autosomal Recessive Polycystic Kidney Disease – PKHD1; POLYCYSTIC KIDNEY AND HEPATIC DISEASE 1; POLYCYSTIC KIDNEY DISEASE, INFANTILE, TYPE I; PKD3. Identifiers: MedGen C4540575, MONDO:0033004, OMIM 263200.

Allele frequency attached by ClinVar (database versions not stated): ExAC 0.00001; gnomAD exomes 0.00001.
gnomAD v4.1: 7 of 1,599,464 alleles (0.00044%); highest among the groups gnomAD compares: Non-Finnish European, 0.0006%; no homozygotes.

Submissions (7):

Natera, Inc.
Classification: Pathogenic for Autosomal recessive polycystic kidney disease. Last evaluated: 2025-12-22. Review status: criteria provided, single submitter. Criteria: Natera Variant Classification Schema (03/2026). Collection method: clinical testing. Allele origin: germline.
Comment: The c.707+1G>A variant in PKHD1 is a canonical splice donor site variant predicted to affect pre-mRNA splicing, which may result in an abnormal transcript and altered protein product. This variant is expected to result in nonsense mediated decay, truncation, or a dysfunctional protein product. This variant is rare in the general population with a frequency below the threshold expected for the associated phenotype(s). This variant has been observed in one or more individuals affected with the associated recessive disease, as either homozygous or compound heterozygous with a second variant (PMID: 27225849). Given the available evidence, this variant is classified as Pathogenic.

Baylor Genetics
Classification: Pathogenic for Polycystic kidney disease 4. Last evaluated: 2023-12-21. Review status: criteria provided, single submitter. Criteria: ACMG Guidelines, 2015. Collection method: clinical testing. Allele origin: unknown.

Blueprint Genetics
Classification: Likely pathogenic for PKHD1-related disorders. Last evaluated: 2023-06-16. Review status: criteria provided, single submitter. Criteria: ACMG Guidelines, 2015. Collection method: clinical testing. Allele origin: germline. Affected: yes. Observed: 1 variant allele.

Labcorp Genetics (formerly Invitae), Labcorp
Classification: Likely pathogenic for Autosomal recessive polycystic kidney disease. Last evaluated: 2023-01-19. Review status: criteria provided, single submitter. Criteria: Invitae Variant Classification Sherloc (09022015). Collection method: clinical testing. Allele origin: germline.
Comment: This sequence change affects a donor splice site in intron 10 of the PKHD1 gene. It is expected to disrupt RNA splicing. Variants that disrupt the donor or acceptor splice site typically lead to a loss of protein function (PMID: 16199547), and loss-of-function variants in PKHD1 are known to be pathogenic (PMID: 19940839). This variant is present in population databases (rs748365248, gnomAD 0.002%). Disruption of this splice site has been observed in individual(s) with polycystic kidney disease (PMID: 27225849). ClinVar contains an entry for this variant (Variation ID: 285761). Algorithms developed to predict the effect of sequence changes on RNA splicing suggest that this variant may disrupt the consensus splice site. In summary, the currently available evidence indicates that the variant is pathogenic, but additional data are needed to prove that conclusively. Therefore, this variant has been classified as Likely Pathogenic.

Fulgent Genetics
Classification: Pathogenic for Polycystic kidney disease 4. Last evaluated: 2022-01-29. Review status: criteria provided, single submitter. Criteria: ACMG Guidelines, 2015. Collection method: clinical testing. Allele origin: unknown.

Myriad Genetics, Inc.
Classification: Likely pathogenic for Polycystic kidney disease 4. Last evaluated: 2021-11-11. Review status: criteria provided, single submitter. Criteria: Myriad Women's Health Autosomal Recessive and X-Linked Classification Criteria (2021). Collection method: clinical testing. Allele origin: unknown.
Comment: NM_138694.3(PKHD1):c.707+1G>A is a canonical splice site variant classified as likely pathogenic in the context of autosomal recessive polycystic kidney disease, PKHD1-related. c.707+1G>A has been observed in cases with relevant disease (PMID: 27225849). Functional assessments of this variant are not available in the literature. c.707+1G>A has been observed in population frequency databases (gnomAD: NFE 0.001%). In summary, NM_138694.3(PKHD1):c.707+1G>A is a canonical splice site variant in a gene where loss of function is a known mechanism of disease, is predicted to disrupt protein function, and has been observed more frequently in cases with the relevant disease than in healthy populations.

Eurofins Ntd Llc (ga)
Classification: Pathogenic. Last evaluated: 2016-02-04. Review status: criteria provided, single submitter. Criteria: EGL Classification Definitions 2015. Collection method: clinical testing. Allele origin: germline. Observed: 1 variant allele, 1 heterozygote.

Literature cited by the submitters: PubMed 27225849 (cited by 3 submitters); PubMed 16199547 (cited by Labcorp Genetics (formerly Invitae), Labcorp); PubMed 19940839 (cited by Labcorp Genetics (formerly Invitae), Labcorp).

NM_138694.4(PKHD1):c.707+1G>A

Gene: PKHD1 (PKHD1 ciliary IPT domain containing fibrocystin/polyductin; minus strand). Cytogenetic location: 6p12.2.
Variant type: single nucleotide variant.
Coding change: c.707+1G>A on transcript NM_138694.4 (MANE Select); the canonical splice donor site of the intron after coding-DNA position 707, G replaced by A.
Molecular consequence: splice donor variant.
Genome position (GRCh38, 1-based): chr6:52,070,405, C>T on the plus strand (G>A on the coding strand, the complement: PKHD1 is on the minus strand). VCF-style: chr6-52070405-C-T. GRCh37 (hg19) VCF-style: chr6-51935203-C-T.
Other names: c.707+1G>A (NM_170724.3).
Identifiers: ClinVar variation 285761 (VCV000285761.22), dbSNP rs748365248, ClinGen allele CA3853807.